The following is an entry in ClinVar:

NM_031935.3(HMCN1):c.1589C>T (p.Thr530Ile)

Gene: HMCN1 (hemicentin 1; plus strand). Cytogenetic location: 1q31.1.
Variant type: single nucleotide variant.
Coding change: c.1589C>T on transcript NM_031935.3 (MANE Select); coding-DNA position 1589, C replaced by T.
Protein change: p.Thr530Ile; replaces threonine 530 with isoleucine.
Molecular consequence: missense variant.
Genome position (GRCh38, 1-based): chr1:185,933,585, C>T. VCF-style: chr1-185933585-C-T. GRCh37 (hg19) VCF-style: chr1-185902717-C-T.
Other names: short protein forms T530I.
Identifiers: ClinVar variation 294110 (VCV000294110.7), dbSNP rs189951644, ClinGen allele CA1291169.

ClinVar aggregate classification (germline): Uncertain significance. Review status: criteria provided, multiple submitters, no conflicts (2 of 4 stars). 2 submissions from 2 submitters: Uncertain significance (2). Last evaluated 2024-09-01.

Conditions:
Age related macular degeneration 1 (ARMD1). Also called: MACULOPATHY, AGE-RELATED, 1. Identifiers: MedGen C1864205, MONDO:0011285, OMIM 603075.

Allele frequency attached by ClinVar (database versions not stated): TOPMed 0.00004; 1000 Genomes Project 30x 0.00031; 1000 Genomes Project 0.00040.
gnomAD v4.1: 37 of 1,613,940 alleles (0.0023%); highest among the groups gnomAD compares: East Asian, 0.082%; no homozygotes.

Submissions (2):

Labcorp Genetics (formerly Invitae), Labcorp
Classification: Uncertain significance. Last evaluated: 2024-09-01. Review status: criteria provided, single submitter. Criteria: Invitae Variant Classification Sherloc (09022015). Collection method: clinical testing. Allele origin: germline.
Comment: This sequence change replaces threonine, which is neutral and polar, with isoleucine, which is neutral and non-polar, at codon 530 of the HMCN1 protein (p.Thr530Ile). This variant is present in population databases (rs189951644, gnomAD 0.05%). This variant has not been reported in the literature in individuals affected with HMCN1-related conditions. ClinVar contains an entry for this variant (Variation ID: 294110). An algorithm developed to predict the effect of missense changes on protein structure and function (PolyPhen-2) suggests that this variant is likely to be disruptive. In summary, the available evidence is currently insufficient to determine the role of this variant in disease. Therefore, it has been classified as a Variant of Uncertain Significance.

Illumina Laboratory Services, Illumina
Classification: Uncertain significance for Age related macular degeneration 1. Last evaluated: 2018-01-13. Review status: criteria provided, single submitter. Criteria: ICSL Variant Classification Criteria 13 December 2019. Collection method: clinical testing. Allele origin: germline.